The following is an entry in ClinVar:

ClinVar aggregate classification (germline): Uncertain significance (1 of 4 stars; one submission).

Submission:

Athena Diagnostics
Classification: Uncertain significance. Last evaluated: 2023-11-28. Review status: criteria provided, single submitter. Criteria: Athena Diagnostics Criteria. Collection method: clinical testing. Allele origin: unknown.
Comment: Available data are insufficient to determine the clinical significance of the variant at this time. This variant has not been reported in large, multi-ethnic general populations. Computational tools predict that this variant is not damaging.

NM_006158.5(NEFL):c.199A>C (p.Ser67Arg)

Gene: NEFL (neurofilament light chain; minus strand). Cytogenetic location: 8p21.2.
Variant type: single nucleotide variant.
Coding change: c.199A>C on transcript NM_006158.5 (MANE Select); coding-DNA position 199, A replaced by C.
Protein change: p.Ser67Arg; replaces serine 67 with arginine.
Molecular consequence: missense variant.
Genome position (GRCh38, 1-based): chr8:24,956,317, T>G on the plus strand (A>C on the coding strand, the complement: NEFL is on the minus strand). VCF-style: chr8-24956317-T-G. GRCh37 (hg19) VCF-style: chr8-24813831-T-G.
Other names: short protein forms S67R.
Identifiers: ClinVar variation 3571649 (VCV003571649.1).